The following is an entry in ClinVar:

NM_001378457.1(DMXL2):c.4379C>G (p.Thr1460Arg)

Gene: DMXL2 (Dmx like 2; minus strand). Cytogenetic location: 15q21.2.
Variant type: single nucleotide variant.
Coding change: c.4379C>G on transcript NM_001378457.1 (MANE Select); coding-DNA position 4379, C replaced by G.
Protein change: p.Thr1460Arg; replaces threonine 1460 with arginine.
Molecular consequence: missense variant. On other transcripts: non-coding transcript variant (2), intron variant (2).
Genome position (GRCh38, 1-based): chr15:51,498,845, G>C on the plus strand (C>G on the coding strand, the complement: DMXL2 is on the minus strand). VCF-style: chr15-51498845-G-C. GRCh37 (hg19) VCF-style: chr15-51791042-G-C.
Other names: c.4379C>G, p.Thr1460Arg (NM_001174116.3, NM_001378458.1, NM_001378459.1 and 4 more transcripts); c.4139C>G, p.Thr1380Arg (NM_001378464.1); c.2765-7098C>G (NM_001378460.1); c.2765-3711C>G (NM_001174117.3); short protein forms T1380R, T1460R.
Identifiers: ClinVar variation 1898052 (VCV001898052.4), dbSNP rs1447386151, ClinGen allele CA392432049.

ClinVar aggregate classification (germline): Uncertain significance. Review status: criteria provided, multiple submitters, no conflicts (2 of 4 stars). 2 submissions from 2 submitters: Uncertain significance (2). Last evaluated 2025-07-28.

Allele frequency attached by ClinVar (database versions not stated): TOPMed 0.00001; gnomAD 0.00003.
gnomAD v4.1: 13 of 1,614,004 alleles (0.00081%); highest among the groups gnomAD compares: Admixed American, 0.0067%; no homozygotes.

Submissions (2):

Dasa
Classification: Uncertain significance. Last evaluated: 2025-07-28. Review status: criteria provided, single submitter. Criteria: DASA Assertion Criteria. Collection method: clinical testing. Allele origin: germline.
Comment: NM_001378457.1(DMXL2):c.4379C>G (p.Thr1460Arg) is a missense variant that results in the substitution of threonine with arginine. This variant is rare in population databases. Computational prediction algorithms are consistent with a benign effect. The currently available literature and clinical evidence are not sufficient to establish a definitive association between this variant and the reported condition. Therefore, this variant is classified as a variant of uncertain significance.

Labcorp Genetics (formerly Invitae), Labcorp
Classification: Uncertain significance. Last evaluated: 2022-03-12. Review status: criteria provided, single submitter. Criteria: Invitae Variant Classification Sherloc (09022015). Collection method: clinical testing. Allele origin: germline.
Comment: This sequence change replaces threonine, which is neutral and polar, with arginine, which is basic and polar, at codon 1460 of the DMXL2 protein (p.Thr1460Arg). This variant is present in population databases (no rsID available, gnomAD 0.006%). This variant has not been reported in the literature in individuals affected with DMXL2-related conditions. Algorithms developed to predict the effect of missense changes on protein structure and function (SIFT, PolyPhen-2, Align-GVGD) all suggest that this variant is likely to be tolerated. In summary, the available evidence is currently insufficient to determine the role of this variant in disease. Therefore, it has been classified as a Variant of Uncertain Significance.